The following is an entry in ClinVar:

NM_003924.4(PHOX2B):c.280G>A (p.Glu94Lys)

Gene: PHOX2B (paired like homeobox 2B; minus strand). Cytogenetic location: 4p13.
Variant type: single nucleotide variant.
Coding change: c.280G>A on transcript NM_003924.4 (MANE Select); coding-DNA position 280, G replaced by A.
Protein change: p.Glu94Lys; replaces glutamic acid 94 with lysine.
Molecular consequence: missense variant.
Genome position (GRCh38, 1-based): chr4:41,747,498, C>T on the plus strand (G>A on the coding strand, the complement: PHOX2B is on the minus strand). VCF-style: chr4-41747498-C-T. GRCh37 (hg19) VCF-style: chr4-41749515-C-T.
Other names: short protein forms E94K.
Identifiers: ClinVar variation 3240117 (VCV003240117.2), dbSNP rs1733948073.
Genomic context (GRCh38, chr4:41,747,498, plus strand): 5'-CCAGCTCTTTGAGCTGGGCACTGGTGAAAGTGGTGCGGATGCGCCGCTGCTTGCGCTTCT[C>T]GTTGAGGCCGCCGTGGTCCGTGAAGAGTTTGTAAGGAACTAGAGTATGACAGAGGAGACA-3'
Protein context (NP_003915.2, residues 84-104): KLFTDHGGLN[Glu94Lys]KRKQRRIRTT

ClinVar aggregate classification (germline): Uncertain significance. Review status: criteria provided, multiple submitters, no conflicts (2 of 4 stars). 2 submissions from 2 submitters: Uncertain significance (2). Last evaluated 2026-06-16.

Conditions:
Neuroblastoma, susceptibility to, 2. Identifiers: Orphanet 635, MedGen C2751682, MONDO:0700041, OMIM 613013.
Hereditary cancer-predisposing syndrome. Also called: Neoplastic Syndromes, Hereditary; Tumor predisposition; Hereditary Cancer Syndrome; Hereditary neoplastic syndrome. Identifiers: Orphanet 140162, MedGen C0027672, MeSH D009386, MONDO:0015356.

Submissions (2):

Ambry Genetics
Classification: Uncertain significance for Hereditary cancer-predisposing syndrome. Last evaluated: 2026-06-16. Review status: criteria provided, single submitter. Criteria: Ambry Variant Classification Scheme 2023. Collection method: clinical testing. Allele origin: germline.
Comment: The p.E94K variant (also known as c.280G>A), located in coding exon 2 of the PHOX2B gene, results from a G to A substitution at nucleotide position 280. The glutamic acid at codon 94 is replaced by lysine, an amino acid with similar properties. This amino acid position is conserved. In addition, this alteration is predicted to be deleterious by in silico analysis. Based on the available evidence, the clinical significance of this variant remains unclear.

Baylor Genetics
Classification: Uncertain significance for Neuroblastoma, susceptibility to, 2. Last evaluated: 2023-12-14. Review status: criteria provided, single submitter. Criteria: ACMG Guidelines, 2015. Collection method: clinical testing. Allele origin: unknown.